The following is an entry in ClinVar:

NM_001145358.2(SIN3A):c.2293A>G (p.Thr765Ala)

Gene: SIN3A (SIN3 transcription regulator family member A; minus strand). Cytogenetic location: 15q24.2.
Variant type: single nucleotide variant.
Coding change: c.2293A>G on transcript NM_001145358.2 (MANE Select); coding-DNA position 2293, A replaced by G.
Protein change: p.Thr765Ala; replaces threonine 765 with alanine.
Molecular consequence: missense variant.
Genome position (GRCh38, 1-based): chr15:75,392,800, T>C on the plus strand (A>G on the coding strand, the complement: SIN3A is on the minus strand). VCF-style: chr15-75392800-T-C. GRCh37 (hg19) VCF-style: chr15-75685141-T-C.
Other names: c.2293A>G, p.Thr765Ala (NM_001145357.2, NM_015477.3); short protein forms T765A.
Identifiers: ClinVar variation 3704095 (VCV003704095.2).

ClinVar aggregate classification (germline): Uncertain significance (1 of 4 stars; one submission).

gnomAD v4.1: 3 of 1,609,728 alleles (0.00019%); highest among the groups gnomAD compares: Non-Finnish European, 0.00017%; no homozygotes.

Submission:

Labcorp Genetics (formerly Invitae), Labcorp
Classification: Uncertain significance. Last evaluated: 2024-09-21. Review status: criteria provided, single submitter. Criteria: Invitae Variant Classification Sherloc (09022015). Collection method: clinical testing. Allele origin: germline.
Comment: This sequence change replaces threonine, which is neutral and polar, with alanine, which is neutral and non-polar, at codon 765 of the SIN3A protein (p.Thr765Ala). The frequency data for this variant in the population databases is considered unreliable, as metrics indicate poor data quality at this position in the gnomAD database. This variant has not been reported in the literature in individuals affected with SIN3A-related conditions. Invitae Evidence Modeling of protein sequence and biophysical properties (such as structural, functional, and spatial information, amino acid conservation, physicochemical variation, residue mobility, and thermodynamic stability) indicates that this missense variant is not expected to disrupt SIN3A protein function with a negative predictive value of 80%. In summary, the available evidence is currently insufficient to determine the role of this variant in disease. Therefore, it has been classified as a Variant of Uncertain Significance.